The following is an entry in ClinVar:

ClinVar aggregate classification (germline): Benign (1 of 4 stars; one submission).

Allele frequency attached by ClinVar (database versions not stated): 1000 Genomes Project 0.27276; 1000 Genomes Project 30x 0.27452; TOPMed 0.38970; gnomAD 0.40762; ExAC 0.46399; gnomAD exomes 0.50841.
gnomAD v4.1: 732,789 of 1,476,086 alleles (50%); highest among the groups gnomAD compares: Non-Finnish European, 55%; 191,805 homozygotes.

Submission:

Unidad de Genómica Garrahan, Hospital de Pediatría Garrahan
Classification: Benign. Last evaluated: 2024-07-15. Review status: criteria provided, single submitter. Criteria: ACMG Guidelines, 2015. Collection method: clinical testing. Allele origin: germline. Affected: no. Observed: 48 variant alleles.
Comment: This variant is classified as Benign based on local population frequency. This variant was detected in 52% of patients studied in a panel designed for Epileptic and Developmental Encephalopathy and Progressive Myoclonus Epilepsy. Number of patients: 48. Only high quality variants are reported.

NM_016373.4(WWOX):c.*385G>A

Genes: MAF (MAF bZIP transcription factor; minus strand), WWOX (WW domain containing oxidoreductase; plus strand). Cytogenetic location: 16q23.2.
Variant type: single nucleotide variant.
Coding change: c.*385G>A on transcript NM_016373.4 (MANE Select); 385 bases downstream of the stop codon, G replaced by A.
Molecular consequence: 3 prime UTR variant.
Genome position (GRCh38, 1-based): chr16:79,212,181, G>A. VCF-style: chr16-79212181-G-A. GRCh37 (hg19) VCF-style: chr16-79246078-G-A.
Other names: c.*385G>A (NM_001291997.2).
Identifiers: ClinVar variation 3255271 (VCV003255271.2), dbSNP rs2288032.